The following is an entry in ClinVar:

ClinVar aggregate classification (germline): Pathogenic. Review status: criteria provided, multiple submitters, no conflicts (2 of 4 stars). 3 submissions from 3 submitters: Pathogenic (3). Last evaluated 2024-05-08.

Conditions:
Curry-Hall syndrome (WAD). Also called: WEYERS ACRODENTAL DYSOSTOSIS. Identifiers: Orphanet 952, MedGen C0457013, MONDO:0008673, OMIM 193530.
Ellis-van Creveld syndrome (EVC). Also called: MESOECTODERMAL DYSPLASIA; Chondroectodermal dysplasia. Identifiers: Orphanet 289, MedGen C0013903, MONDO:0009162, OMIM 225500.

Submissions (3):

Myriad Genetics, Inc.
Classification: Pathogenic for Ellis-van Creveld syndrome. Last evaluated: 2024-05-08. Review status: criteria provided, single submitter. Criteria: Myriad Autosomal Dominant, Autosomal Recessive and X-Linked Classification Criteria (2023). Collection method: clinical testing. Allele origin: unknown.
Comment: NM_147127.4(EVC2):c.2483G>A(W828*) is expected to be pathogenic in the context of EVC2-related Ellis-van Creveld syndrome. This variant is predicted to lead to an abnormal or absent protein product due to the creation of a premature termination codon in EVC2, a gene where loss-of-function variants are known to be pathogenic. Please note: this variant was assessed in the context of healthy population screening.

Labcorp Genetics (formerly Invitae), Labcorp
Classification: Pathogenic for Curry-Hall syndrome; Ellis-van Creveld syndrome. Last evaluated: 2021-05-31. Review status: criteria provided, single submitter. Criteria: Invitae Variant Classification Sherloc (09022015). Collection method: clinical testing. Allele origin: germline.
Comment: This variant is not present in population databases (ExAC no frequency). This nonsense variant has been observed in individual(s) with Ellis–van Creveld syndrome (PMID: 23026208). ClinVar contains an entry for this variant (Variation ID: 993460). For these reasons, this variant has been classified as Pathogenic. This sequence change creates a premature translational stop signal (p.Trp828*) in the EVC2 gene. It is expected to result in an absent or disrupted protein product. Loss-of-function variants in EVC2 are known to be pathogenic (PMID: 17024374, 19810119, 19876929).

ARUP Laboratories, Molecular Genetics and Genomics, ARUP Laboratories
Classification: Pathogenic. Last evaluated: 2020-02-16. Review status: criteria provided, single submitter. Criteria: ARUP Molecular Germline Variant Investigation Process. Collection method: clinical testing. Allele origin: germline.
Comment: The EVC2 c.2483G>A; p.Trp828Ter variant, to our knowledge, is not reported in the medical literature or gene-specific databases. However, a different nonsense variant in the same codon (c.2484G>A; p.Trp828Ter) has been reported in trans to another pathogenic EVC2 variant an individual affected with Ellis-van Creveld syndrome (Zhang 2012). The c.2483G>A variant is absent from general population databases (Exome Variant Server, Genome Aggregation Database), indicating it is not a common polymorphism. This variant induces an early termination codon and is predicted to result in a truncated protein or mRNA subject to nonsense-mediated decay. Based on available information, the c.2483G>A; p.Trp828Ter variant is considered to be pathogenic. References: Zhang Z et al. Identification of one novel mutation in the EVC2 gene in a Chinese family with Ellis-van Creveld syndrome. Gene. 2012 Dec 15;511(2):380-2.

Literature cited by the submitters: PubMed 23026208 (cited by Labcorp Genetics (formerly Invitae), Labcorp); PubMed 17024374 (cited by Labcorp Genetics (formerly Invitae), Labcorp); PubMed 19810119 (cited by Labcorp Genetics (formerly Invitae), Labcorp); PubMed 19876929 (cited by Labcorp Genetics (formerly Invitae), Labcorp).

NM_147127.5(EVC2):c.2483G>A (p.Trp828Ter)

Gene: EVC2 (EvC ciliary complex subunit 2; minus strand). Cytogenetic location: 4p16.2.
Variant type: single nucleotide variant.
Coding change: c.2483G>A on transcript NM_147127.5 (MANE Select); coding-DNA position 2483, G replaced by A.
Protein change: p.Trp828Ter; replaces tryptophan 828 with a stop codon.
Molecular consequence: nonsense.
Genome position (GRCh38, 1-based): chr4:5,622,555, C>T on the plus strand (G>A on the coding strand, the complement: EVC2 is on the minus strand). VCF-style: chr4-5622555-C-T. GRCh37 (hg19) VCF-style: chr4-5624282-C-T.
Other names: c.2243G>A, p.Trp748Ter (NM_001166136.2); short protein forms W748*, W828*.
Identifiers: ClinVar variation 993460 (VCV000993460.17), dbSNP rs1715768907, ClinGen allele CA356144345.